The following is an entry in ClinVar:

ClinVar aggregate classification (germline): Uncertain significance (1 of 4 stars; one submission).

Conditions:
PLXNA1-related disorder. Also called: PLXNA1-related condition.

Allele frequency attached by ClinVar (database versions not stated): gnomAD 0.00001.
gnomAD v4.1: 18 of 1,597,146 alleles (0.0011%); highest among the groups gnomAD compares: East Asian, 0.0022%; no homozygotes.

Submission:

PreventionGenetics, part of Exact Sciences
Classification: Uncertain significance for PLXNA1-related condition. Last evaluated: 2026-07-11. Review status: criteria provided, single submitter. Criteria: ACMG Guidelines, 2015. Collection method: clinical testing. Allele origin: germline.
Comment: The PLXNA1 c.1628G>A variant is predicted to result in the amino acid substitution p.Arg543Gln. To our knowledge, this variant has not been reported in the literature. This variant is reported in 0.0052% of alleles in individuals of East Asian descent in gnomAD. At this time, the clinical significance of this variant is uncertain due to the absence of conclusive functional and genetic evidence.

NM_032242.4(PLXNA1):c.1628G>A (p.Arg543Gln)

Gene: PLXNA1 (plexin A1; plus strand). Cytogenetic location: 3q21.3.
Variant type: single nucleotide variant.
Coding change: c.1628G>A on transcript NM_032242.4 (MANE Select); coding-DNA position 1628, G replaced by A.
Protein change: p.Arg543Gln; replaces arginine 543 with glutamine.
Molecular consequence: missense variant.
Genome position (GRCh38, 1-based): chr3:127,004,893, G>A. VCF-style: chr3-127004893-G-A. GRCh37 (hg19) VCF-style: chr3-126723736-G-A.
Other names: short protein forms R543Q.
Identifiers: ClinVar variation 3049497 (VCV003049497.3), dbSNP rs773750093, ClinGen allele CA83295895.